The following is an entry in ClinVar:

NM_194318.4(B3GLCT):c.1105G>A (p.Gly369Ser)

Gene: B3GLCT (beta 3-glucosyltransferase; plus strand). Cytogenetic location: 13q12.3.
Variant type: single nucleotide variant.
Coding change: c.1105G>A on transcript NM_194318.4 (MANE Select); coding-DNA position 1105, G replaced by A.
Protein change: p.Gly369Ser; replaces glycine 369 with serine.
Molecular consequence: missense variant.
Genome position (GRCh38, 1-based): chr13:31,317,606, G>A. VCF-style: chr13-31317606-G-A. GRCh37 (hg19) VCF-style: chr13-31891743-G-A.
Other names: short protein forms G369S.
Identifiers: ClinVar variation 263091 (VCV000263091.20), dbSNP rs34638481, ClinGen allele CA6936819.

ClinVar aggregate classification (germline): Benign/Likely benign. Review status: criteria provided, multiple submitters, no conflicts (2 of 4 stars). 7 submissions from 7 submitters: Benign (3); Likely benign (2). 2 of the submissions do not count toward it. Last evaluated 2026-02-01.

Conditions:
Peters plus syndrome. Also called: KRAUSE-KIVLIN SYNDROME. Identifiers: Orphanet 709, MedGen C0796012, MONDO:0009856, OMIM 261540.

Allele frequency attached by ClinVar (database versions not stated): 1000 Genomes Project 30x 0.01234; 1000 Genomes Project 0.01278; TOPMed 0.02262; gnomAD 0.02305 and 0.02336; ESP Exome Variant Server 0.02460; gnomAD exomes 0.02518 and 0.02652; ExAC 0.02629.
gnomAD v4.1: 42,486 of 1,613,940 alleles (2.6%); highest among the groups gnomAD compares: Middle Eastern, 4.6%; 717 homozygotes.

Submissions 1 to 31 of 55:

Labcorp Genetics (formerly Invitae), Labcorp
Classification: Benign for Peters plus syndrome. Last evaluated: 2026-02-01. Review status: criteria provided, single submitter. Criteria: Invitae Variant Classification Sherloc (09022015). Collection method: clinical testing. Allele origin: germline.

GeneDx
Classification: Likely benign. Last evaluated: 2018-07-05. Review status: criteria provided, single submitter. Criteria: GeneDx Variant Classification Process June 2021. Collection method: clinical testing. Allele origin: germline. Affected: yes.

Illumina Laboratory Services, Illumina
Classification: Benign for Peters plus syndrome. Last evaluated: 2018-01-12. Review status: criteria provided, single submitter. Criteria: ICSL Variant Classification Criteria 13 December 2019. Collection method: clinical testing. Allele origin: germline.
Comment: This variant was observed in the ICSL laboratory as part of a predisposition screen in an ostensibly healthy population. It had not been previously curated by ICSL or reported in the Human Gene Mutation Database (HGMD: prior to June 1st, 2018), and was therefore a candidate for classification through an automated scoring system. Utilizing variant allele frequency, disease prevalence and penetrance estimates, and inheritance mode, an automated score was calculated to assess if this variant is too frequent to cause the disease. Based on the score and internal cut-off values, a variant classified as benign is not then subjected to further curation. The score for this variant resulted in a classification of benign for this disease.

Breakthrough Genomics
Classification: Likely benign. Review status: criteria provided, single submitter. Criteria: ACMG Guidelines, 2015. Collection method: not provided. Allele origin: germline. Inheritance: Autosomal recessive inheritance. Affected: yes.

PreventionGenetics, part of Exact Sciences
Classification: Benign. Review status: criteria provided, single submitter. Criteria: ACMG Guidelines, 2015. Collection method: clinical testing. Allele origin: germline.

Dr. Peter K. Rogan Lab, Western University
No classification provided (evidence only). Condition: Acute myeloid leukemia. Review status: no classification provided. Collection method: in vitro. Allele origin: not applicable. Functional consequence: retained intron. Not counted in ClinVar's aggregate classification.

Dr. Peter K. Rogan Lab, Western University
No classification provided (evidence only). Condition: Acute myeloid leukemia. Review status: no classification provided. Collection method: in vitro. Allele origin: not applicable. Functional consequence: retained intron. Not counted in ClinVar's aggregate classification.

Dr. Peter K. Rogan Lab, Western University
No classification provided (evidence only). Condition: Colon adenocarcinoma. Review status: no classification provided. Collection method: in vitro. Allele origin: not applicable. Functional consequence: skipped exon. Not counted in ClinVar's aggregate classification.

Dr. Peter K. Rogan Lab, Western University
No classification provided (evidence only). Condition: Colon adenocarcinoma. Review status: no classification provided. Collection method: in vitro. Allele origin: not applicable. Functional consequence: skipped exon. Not counted in ClinVar's aggregate classification.

Dr. Peter K. Rogan Lab, Western University
No classification provided (evidence only). Condition: Colon adenocarcinoma. Review status: no classification provided. Collection method: in vitro. Allele origin: not applicable. Functional consequence: skipped exon. Not counted in ClinVar's aggregate classification.

Dr. Peter K. Rogan Lab, Western University
No classification provided (evidence only). Condition: Colon adenocarcinoma. Review status: no classification provided. Collection method: in vitro. Allele origin: not applicable. Functional consequence: retained intron. Not counted in ClinVar's aggregate classification.

Dr. Peter K. Rogan Lab, Western University
No classification provided (evidence only). Condition: Colon adenocarcinoma. Review status: no classification provided. Collection method: in vitro. Allele origin: not applicable. Functional consequence: retained intron. Not counted in ClinVar's aggregate classification.

Dr. Peter K. Rogan Lab, Western University
No classification provided (evidence only). Condition: Colorectal cancer. Review status: no classification provided. Collection method: in vitro. Allele origin: not applicable. Functional consequence: retained intron. Not counted in ClinVar's aggregate classification.

Dr. Peter K. Rogan Lab, Western University
No classification provided (evidence only). Condition: Thyroid cancer, nonmedullary, 1. Review status: no classification provided. Collection method: in vitro. Allele origin: not applicable. Functional consequence: retained intron. Not counted in ClinVar's aggregate classification.

Dr. Peter K. Rogan Lab, Western University
No classification provided (evidence only). Condition: Thyroid cancer, nonmedullary, 1. Review status: no classification provided. Collection method: in vitro. Allele origin: not applicable. Functional consequence: retained intron. Not counted in ClinVar's aggregate classification.

Dr. Peter K. Rogan Lab, Western University
No classification provided (evidence only). Condition: Thyroid cancer, nonmedullary, 1. Review status: no classification provided. Collection method: in vitro. Allele origin: not applicable. Functional consequence: retained intron. Not counted in ClinVar's aggregate classification.

Dr. Peter K. Rogan Lab, Western University
No classification provided (evidence only). Condition: Thyroid cancer, nonmedullary, 1. Review status: no classification provided. Collection method: in vitro. Allele origin: not applicable. Functional consequence: retained intron. Not counted in ClinVar's aggregate classification.

Dr. Peter K. Rogan Lab, Western University
No classification provided (evidence only). Condition: Thyroid cancer, nonmedullary, 1. Review status: no classification provided. Collection method: in vitro. Allele origin: not applicable. Functional consequence: retained intron. Not counted in ClinVar's aggregate classification.

Dr. Peter K. Rogan Lab, Western University
No classification provided (evidence only). Condition: Thyroid cancer, nonmedullary, 1. Review status: no classification provided. Collection method: in vitro. Allele origin: not applicable. Functional consequence: retained intron. Not counted in ClinVar's aggregate classification.

Dr. Peter K. Rogan Lab, Western University
No classification provided (evidence only). Condition: Thyroid cancer, nonmedullary, 1. Review status: no classification provided. Collection method: in vitro. Allele origin: not applicable. Functional consequence: retained intron. Not counted in ClinVar's aggregate classification.

Dr. Peter K. Rogan Lab, Western University
No classification provided (evidence only). Condition: Thyroid cancer, nonmedullary, 1. Review status: no classification provided. Collection method: in vitro. Allele origin: not applicable. Functional consequence: skipped exon. Not counted in ClinVar's aggregate classification.

Dr. Peter K. Rogan Lab, Western University
No classification provided (evidence only). Condition: Thyroid cancer, nonmedullary, 1. Review status: no classification provided. Collection method: in vitro. Allele origin: not applicable. Functional consequence: retained intron. Not counted in ClinVar's aggregate classification.

Dr. Peter K. Rogan Lab, Western University
No classification provided (evidence only). Condition: Thyroid cancer, nonmedullary, 1. Review status: no classification provided. Collection method: in vitro. Allele origin: not applicable. Functional consequence: skipped exon, retained intron. Not counted in ClinVar's aggregate classification.

Dr. Peter K. Rogan Lab, Western University
No classification provided (evidence only). Condition: Uterine corpus endometrial carcinoma. Review status: no classification provided. Collection method: in vitro. Allele origin: not applicable. Functional consequence: retained intron. Not counted in ClinVar's aggregate classification.

Dr. Peter K. Rogan Lab, Western University
No classification provided (evidence only). Condition: Cervical cancer. Review status: no classification provided. Collection method: in vitro. Allele origin: not applicable. Functional consequence: retained intron. Not counted in ClinVar's aggregate classification.

Dr. Peter K. Rogan Lab, Western University
No classification provided (evidence only). Condition: Cervical cancer. Review status: no classification provided. Collection method: in vitro. Allele origin: not applicable. Functional consequence: retained intron. Not counted in ClinVar's aggregate classification.

Dr. Peter K. Rogan Lab, Western University
No classification provided (evidence only). Condition: Cervical cancer. Review status: no classification provided. Collection method: in vitro. Allele origin: not applicable. Functional consequence: retained intron. Not counted in ClinVar's aggregate classification.

Dr. Peter K. Rogan Lab, Western University
No classification provided (evidence only). Condition: Cervical cancer. Review status: no classification provided. Collection method: in vitro. Allele origin: not applicable. Functional consequence: retained intron. Not counted in ClinVar's aggregate classification.

Dr. Peter K. Rogan Lab, Western University
No classification provided (evidence only). Condition: Cervical cancer. Review status: no classification provided. Collection method: in vitro. Allele origin: not applicable. Functional consequence: retained intron. Not counted in ClinVar's aggregate classification.

Dr. Peter K. Rogan Lab, Western University
No classification provided (evidence only). Condition: Sarcoma. Review status: no classification provided. Collection method: in vitro. Allele origin: not applicable. Functional consequence: skipped exon, retained intron. Not counted in ClinVar's aggregate classification.

Dr. Peter K. Rogan Lab, Western University
No classification provided (evidence only). Condition: Sarcoma. Review status: no classification provided. Collection method: in vitro. Allele origin: not applicable. Functional consequence: retained intron. Not counted in ClinVar's aggregate classification.